The following is an entry in ClinVar:

ClinVar aggregate classification (germline): Likely pathogenic (1 of 4 stars; one submission).

Conditions:
Short stature-brachydactyly-obesity-global developmental delay syndrome. Also called: Short stature, brachydactyly, intellectual developmental disability, and seizures; SHORT STATURE, BRACHYDACTYLY, IMPAIRED INTELLECTUAL DEVELOPMENT, AND SEIZURES. Identifiers: Orphanet 464288, MedGen C4310689, MONDO:0014944, OMIM 617157.

gnomAD v4.1: 1 of 1,607,636 alleles (0.000062%); highest among the groups gnomAD compares: Non-Finnish European, 0.000085%; no homozygotes.

Submission:

Women's Health and Genetics/Laboratory Corporation of America, LabCorp
Classification: Likely pathogenic for Short stature-brachydactyly-obesity-global developmental delay syndrome. Last evaluated: 2025-07-02. Review status: criteria provided, single submitter. Criteria: LabCorp Variant Classification Summary - May 2015. Collection method: clinical testing. Allele origin: germline.
Comment: Variant summary: PRMT7 c.132+1G>A is located in a canonical splice-site and is predicted to affect mRNA splicing resulting in a significantly altered protein due to either exon skipping, shortening, or inclusion of intronic material. Variants that disrupt the consensus splice site are a relatively common cause of aberrant splicing and loss of PRMT7 function. Several computational tools predict a significant impact on normal splicing: Four predict the variant abolishes a 5' splicing donor site. However, these predictions have yet to be confirmed by functional studies. The variant was absent in 247712 control chromosomes (gnomAD). To our knowledge, no occurrence of c.132+1G>A in individuals affected with Short Stature, Brachydactyly, Intellectual Developmental Disability, And Seizures and no experimental evidence demonstrating its impact on protein function have been reported. No submitters have cited clinical-significance assessments for this variant to ClinVar. Based on the evidence outlined above, the variant was classified as likely pathogenic.

NM_019023.5(PRMT7):c.132+1G>A

Gene: PRMT7 (protein arginine methyltransferase 7; plus strand). Cytogenetic location: 16q22.1.
Variant type: single nucleotide variant.
Coding change: c.132+1G>A on transcript NM_019023.5 (MANE Select); the canonical splice donor site of the intron after coding-DNA position 132, G replaced by A.
Molecular consequence: splice donor variant. On other transcripts: intron variant (4).
Genome position (GRCh38, 1-based): chr16:68,321,463, G>A. VCF-style: chr16-68321463-G-A. GRCh37 (hg19) VCF-style: chr16-68355366-G-A.
Other names: c.-105-3220G>A (NM_001378022.1, NM_001378021.1, NM_001378023.1); c.132+1G>A (NM_001351143.3, NM_001351144.3, NM_001378018.1 and 2 more transcripts); c.35-3220G>A (NM_001378020.1).
Identifiers: ClinVar variation 3911972 (VCV003911972.2).